The following is an entry in ClinVar:

NM_004408.4(DNM1):c.1493+3G>C

Gene: DNM1 (dynamin 1; plus strand). Cytogenetic location: 9q34.11.
Variant type: single nucleotide variant.
Coding change: c.1493+3G>C on transcript NM_004408.4 (MANE Select); 3 bases into the intron after coding-DNA position 1493, G replaced by C.
Molecular consequence: intron variant.
Genome position (GRCh38, 1-based): chr9:128,239,518, G>C. VCF-style: chr9-128239518-G-C. GRCh37 (hg19) VCF-style: chr9-131001797-G-C.
Other names: c.1493+3G>C (NM_001005336.3, NM_001374269.1, NM_001288738.2 and 2 more transcripts).
Identifiers: ClinVar variation 2074812 (VCV002074812.4), dbSNP rs1564345357, ClinGen allele CA2580079667.

ClinVar aggregate classification (germline): Uncertain significance (1 of 4 stars; one submission).

Conditions:
Developmental and epileptic encephalopathy, 31A. Also called: Epileptic encephalopathy, early infantile, 31; Developmental and epileptic encephalopathy, 31. Identifiers: Orphanet 2382, MedGen C4225357, MONDO:0014598, OMIM 616346.

Submission:

Labcorp Genetics (formerly Invitae), Labcorp
Classification: Uncertain significance for Developmental and epileptic encephalopathy, 31A. Last evaluated: 2024-02-24. Review status: criteria provided, single submitter. Criteria: Invitae Variant Classification Sherloc (09022015). Collection method: clinical testing. Allele origin: germline.
Comment: This sequence change falls in intron 12 of the DNM1 gene. It does not directly change the encoded amino acid sequence of the DNM1 protein. It affects a nucleotide within the consensus splice site. This variant is not present in population databases (gnomAD no frequency). This variant has not been reported in the literature in individuals affected with DNM1-related conditions. ClinVar contains an entry for this variant (Variation ID: 2074812). Variants that disrupt the consensus splice site are a relatively common cause of aberrant splicing (PMID: 17576681, 9536098). Algorithms developed to predict the effect of sequence changes on RNA splicing suggest that this variant may disrupt the consensus splice site. In summary, the available evidence is currently insufficient to determine the role of this variant in disease. Therefore, it has been classified as a Variant of Uncertain Significance.

Literature cited by the submitters: PubMed 17576681; PubMed 9536098.